The following is an entry in ClinVar:

ClinVar aggregate classification (germline): Conflicting classifications of pathogenicity. Review status: criteria provided, conflicting classifications (1 of 4 stars). 4 submissions from 3 submitters: Likely pathogenic (2); Uncertain significance (2). Last evaluated 2025-01-02.

Conditions:
Maturity-onset diabetes of the young (MODY). Also called: Maturity onset diabetes mellitus in young. Identifiers: Orphanet 552, MedGen C0342276, MONDO:0018911, HP:0004904.
Hyperinsulinemic hypoglycemia, familial, 1 (HHF1). Also called: HYPERINSULINISM, FAMILIAL, WITH PANCREATIC NESIDIOBLASTOSIS; HYPOGLYCEMIA, HYPERINSULINEMIC, OF INFANCY; NESIDIOBLASTOSIS OF PANCREAS; Persistent hyperinsulinemic hypoglycemia of infancy; Persistent Hyperinsulinemia Hypoglycemia of Infancy. Identifiers: Orphanet 276575, Orphanet 276598, MedGen C2931832, MONDO:0009734, OMIM 256450.
Leucine-induced hypoglycemia (LIH). Also called: LEUCINE-SENSITIVE HYPOGLYCEMIA OF INFANCY. Identifiers: MedGen C0271714, MONDO:0009415, OMIM 240800.
Transitory neonatal diabetes mellitus. Also called: Transient neonatal diabetes mellitus. Identifiers: MedGen C0342273, MONDO:0020525, HP:0008255.

Submissions (4):

Institute for Clinical Genetics, University Hospital TU Dresden, University Hospital TU Dresden
Classification: Likely pathogenic for Hyperinsulinemic hypoglycemia, familial, 1. Last evaluated: 2025-01-02. Review status: criteria provided, single submitter. Criteria: ACMG Guidelines, 2015. Collection method: clinical testing. Allele origin: germline. Affected: yes.
Comment: Hyperinsulinemic hypoglycemia, affected

Institute of Human Genetics, University of Leipzig Medical Center
Classification: Likely pathogenic for Leucine-induced hypoglycemia. Last evaluated: 2017-02-21. Review status: criteria provided, single submitter. Criteria: ACMG Guidelines, 2015. Collection method: clinical testing. Allele origin: germline. Affected: yes. Observed: 1 variant allele.

Clinical Genomics, Uppaluri K&H Personalized Medicine Clinic
Classification: Uncertain significance for Maturity-onset diabetes of the young. Review status: criteria provided, single submitter. Criteria: K & H Uppaluri Personalized Medicine Clinic Variant Classification & Assertion Criteria_Updated V.1. Collection method: research. Allele origin: somatic. Inheritance: Somatic mutation.
Comment: Mutations in ABCC8 gene are associated with both neonatal diabetes mellitus as well as MODY. Patients with this mutation may have a better response to sulfonylureas. However, no sufficient evidence is found to ascertain the role of this particular variant (rs1954422814) in MODY yet.

Clinical Genomics, Uppaluri K&H Personalized Medicine Clinic
Classification: Uncertain significance for Transitory neonatal diabetes mellitus. Review status: criteria provided, single submitter. Criteria: K & H Uppaluri Personalized Medicine Clinic Variant Classification & Assertion Criteria_Updated V.1. Collection method: research. Allele origin: somatic. Inheritance: Somatic mutation.
Comment: Mutations in ABCC8 gene are associated with both neonatal diabetes mellitus as well as MODY. Patients with this mutation may have a better response to sulfonylureas. However, no sufficient evidence is found to ascertain the role of this particular variant (rs1954422814) in neonatal diabetes yet.

Literature cited by the submitters: PubMed 16885549 (cited by Clinical Genomics, Uppaluri K&H Personalized Medicine Clinic); PubMed 21989597 (cited by Clinical Genomics, Uppaluri K&H Personalized Medicine Clinic); PubMed 27538677 (cited by Clinical Genomics, Uppaluri K&H Personalized Medicine Clinic); PubMed 18981553 (cited by Clinical Genomics, Uppaluri K&H Personalized Medicine Clinic); PubMed 32027066 (cited by Clinical Genomics, Uppaluri K&H Personalized Medicine Clinic); PubMed 16613899 (cited by Clinical Genomics, Uppaluri K&H Personalized Medicine Clinic); PubMed 18025408 (cited by Clinical Genomics, Uppaluri K&H Personalized Medicine Clinic); PubMed 32792356 (cited by Clinical Genomics, Uppaluri K&H Personalized Medicine Clinic).

NM_000352.6(ABCC8):c.3454G>A (p.Ala1152Thr)

Gene: ABCC8 (ATP binding cassette subfamily C member 8; minus strand). Cytogenetic location: 11p15.1.
Variant type: single nucleotide variant.
Coding change: c.3454G>A on transcript NM_000352.6 (MANE Select); coding-DNA position 3454, G replaced by A.
Protein change: p.Ala1152Thr; replaces alanine 1152 with threonine.
Molecular consequence: missense variant. On other transcripts: non-coding transcript variant (1).
Genome position (GRCh38, 1-based): chr11:17,404,615, C>T on the plus strand (G>A on the coding strand, the complement: ABCC8 is on the minus strand). VCF-style: chr11-17404615-C-T. GRCh37 (hg19) VCF-style: chr11-17426162-C-T.
Other names: c.3457G>A, p.Ala1153Thr (NM_001287174.3); c.3520G>A, p.Ala1174Thr (NM_001351295.2); c.3454G>A, p.Ala1152Thr (NM_001351296.2); c.3451G>A, p.Ala1151Thr (NM_001351297.2); short protein forms A1151T, A1152T, A1153T, A1174T.
Identifiers: ClinVar variation 975948 (VCV000975948.3), dbSNP rs1954422814, ClinGen allele CA379798316.